The following is an entry in ClinVar:

ClinVar aggregate classification (germline): Likely benign (0 of 4 stars; one submission).

Conditions:
GPR75-related disorder. Also called: GPR75-related condition.

Submission:

PreventionGenetics, part of Exact Sciences
Classification: Likely benign for GPR75-related condition. Last evaluated: 2019-07-11. Review status: no assertion criteria provided. Collection method: clinical testing. Allele origin: germline.
Comment: This variant is classified as likely benign based on ACMG/AMP sequence variant interpretation guidelines (Richards et al. 2015 PMID: 25741868, with internal and published modifications).

NM_006794.4(GPR75):c.693G>A (p.Lys231=)

Genes: GPR75 (G protein-coupled receptor 75; minus strand), GPR75-ASB3 (GPR75-ASB3 readthrough; minus strand). Cytogenetic location: 2p16.2.
Variant type: single nucleotide variant.
Coding change: c.693G>A on transcript NM_006794.4 (MANE Select); coding-DNA position 693, G replaced by A.
Protein change: p.Lys231=; no amino-acid change (lysine 231 retained).
Molecular consequence: synonymous variant. On other transcripts: intron variant (1).
Genome position (GRCh38, 1-based): chr2:53,854,064, C>T on the plus strand (G>A on the coding strand, the complement: GPR75 is on the minus strand). VCF-style: chr2-53854064-C-T. GRCh37 (hg19) VCF-style: chr2-54081201-C-T.
Other names: c.101+5764G>A (NM_001164165.2).
Identifiers: ClinVar variation 3049391 (VCV003049391.2), dbSNP rs1312350718, ClinGen allele CA425907473.